The following is an entry in ClinVar:

NM_004453.4(ETFDH):c.1375C>T (p.His459Tyr)

Gene: ETFDH (electron transfer flavoprotein dehydrogenase; plus strand). Cytogenetic location: 4q32.1.
Variant type: single nucleotide variant.
Coding change: c.1375C>T on transcript NM_004453.4 (MANE Select); coding-DNA position 1375, C replaced by T.
Protein change: p.His459Tyr; replaces histidine 459 with tyrosine.
Molecular consequence: missense variant.
Genome position (GRCh38, 1-based): chr4:158,706,278, C>T. VCF-style: chr4-158706278-C-T. GRCh37 (hg19) VCF-style: chr4-159627430-C-T.
Other names: p.H459Y:CAC>TAC; c.1234C>T, p.His412Tyr (NM_001281737.2); c.1192C>T, p.His398Tyr (NM_001281738.1); short protein forms H459Y, H412Y, H398Y.
Identifiers: ClinVar variation 203723 (VCV000203723.33), dbSNP rs200111698, ClinGen allele CA312545.

ClinVar aggregate classification (germline): Conflicting classifications of pathogenicity. Review status: criteria provided, conflicting classifications (1 of 4 stars). 6 submissions from 6 submitters: Uncertain significance (2); Likely benign (4). Last evaluated 2026-01-19.

Conditions:
Multiple acyl-CoA dehydrogenase deficiency (MADD). Also called: GA II; Glutaric aciduria, type 2; ETHYLMALONIC-ADIPICACIDURIA; Glutaric acidemia type II; GA 2; Glutaric Acidemia type 2. Identifiers: Orphanet 26791, MedGen C0268596, MONDO:0009282, OMIM 231680.

Allele frequency attached by ClinVar (database versions not stated): TOPMed 0.00011; 1000 Genomes Project 30x 0.00031; ESP Exome Variant Server 0.00031; gnomAD exomes 0.00034 and 0.00068; 1000 Genomes Project 0.00040; gnomAD 0.00048 and 0.00050; ExAC 0.00070.

Submissions (6):

Labcorp Genetics (formerly Invitae), Labcorp
Classification: Likely benign for Multiple acyl-CoA dehydrogenase deficiency. Last evaluated: 2026-01-19. Review status: criteria provided, single submitter. Criteria: Invitae Variant Classification Sherloc (09022015). Collection method: clinical testing. Allele origin: germline.

CeGaT Center for Human Genetics Tuebingen
Classification: Likely benign. Last evaluated: 2025-02-01. Review status: criteria provided, single submitter. Criteria: CeGaT Center For Human Genetics Tuebingen Variant Classification Criteria Version 2. Collection method: clinical testing. Allele origin: germline. Affected: yes. Observed: 1 variant allele.
Comment: ETFDH: PM2, PP3, BS2

Blueprint Genetics
Classification: Likely benign. Last evaluated: 2024-11-15. Review status: criteria provided, single submitter. Criteria: ACMG Guidelines, 2015. Collection method: clinical testing. Allele origin: germline.

Illumina Laboratory Services, Illumina
Classification: Likely benign for Multiple acyl-CoA dehydrogenase deficiency. Last evaluated: 2017-04-28. Review status: criteria provided, single submitter. Criteria: ICSL Variant Classification Criteria 13 December 2019. Collection method: clinical testing. Allele origin: germline.
Comment: This variant was observed as part of a predisposition screen in an ostensibly healthy population. A literature search was performed for the gene, cDNA change, and amino acid change (where applicable). No publications were found based on this search. Allele frequency data from public databases allowed determination this variant is unlikely to cause disease. Therefore, this variant is classified as likely benign.

GeneDx
Classification: Uncertain significance. Last evaluated: 2017-04-24. Review status: criteria provided, single submitter. Criteria: GeneDx Variant Classification (06012015). Collection method: clinical testing. Allele origin: germline. Affected: yes.
Comment: The H459Y missense change has not been published as a pathogenic variant, nor has it been reported as a benign polymorphism to our knowledge. The 1000 Genomes Database reports H459Y was observed in 2/186 (1.08%) alleles from individuals of Finnish background. The amino acid change is non-conservative in that a positively charged Histidine residue is replaced by an uncharged Tyrosine residue. This change occurs at a highly conserved position in the ETFDH protein, and multiple in-silico analysis models predict that H459Y is damaging to the ETFDH protein. Therefore, based on the currently available information, it is unclear whether this variant is a pathogenic variant or a rare benign variant.

Mayo Clinic Laboratories, Mayo Clinic
Classification: Uncertain significance for Multiple acyl-CoA dehydrogenase deficiency. Last evaluated: 2017-01-20. Review status: criteria provided, single submitter. Criteria: ACMG Guidelines, 2015. Collection method: clinical testing. Allele origin: maternal.